The following is an entry in ClinVar:

ClinVar aggregate classification (germline): Uncertain significance. Review status: criteria provided, multiple submitters, no conflicts (2 of 4 stars). 2 submissions from 2 submitters: Uncertain significance (2). Last evaluated 2024-08-28.

Conditions:
Inborn genetic diseases. Identifiers: MedGen C0950123, MeSH D030342.

Allele frequency attached by ClinVar (database versions not stated): gnomAD exomes below 0.00001; ExAC 0.00001; gnomAD 0.00003; TOPMed 0.00005; ESP Exome Variant Server 0.00008.
gnomAD v4.1: 7 of 1,614,060 alleles (0.00043%); highest among the groups gnomAD compares: Middle Eastern, 0.016%; no homozygotes.

Submissions (2):

Ambry Genetics
Classification: Uncertain significance for Inborn genetic diseases. Last evaluated: 2024-08-28. Review status: criteria provided, single submitter. Criteria: Ambry Variant Classification Scheme 2023. Collection method: clinical testing. Allele origin: germline.

Labcorp Genetics (formerly Invitae), Labcorp
Classification: Uncertain significance. Last evaluated: 2024-01-19. Review status: criteria provided, single submitter. Criteria: Invitae Variant Classification Sherloc (09022015). Collection method: clinical testing. Allele origin: germline.
Comment: This sequence change replaces isoleucine, which is neutral and non-polar, with threonine, which is neutral and polar, at codon 591 of the TUBGCP6 protein (p.Ile591Thr). This variant is present in population databases (rs148007010, gnomAD 0.007%). This variant has not been reported in the literature in individuals affected with TUBGCP6-related conditions. ClinVar contains an entry for this variant (Variation ID: 2171187). An algorithm developed to predict the effect of missense changes on protein structure and function (PolyPhen-2) suggests that this variant¬†is likely to be tolerated. In summary, the available evidence is currently insufficient to determine the role of this variant in disease. Therefore, it has been classified as a Variant of Uncertain Significance.

NM_020461.4(TUBGCP6):c.1772T>C (p.Ile591Thr)

Gene: TUBGCP6 (tubulin gamma complex component 6; minus strand). Cytogenetic location: 22q13.33.
Variant type: single nucleotide variant.
Coding change: c.1772T>C on transcript NM_020461.4 (MANE Select); coding-DNA position 1772, T replaced by C.
Protein change: p.Ile591Thr; replaces isoleucine 591 with threonine.
Molecular consequence: missense variant.
Genome position (GRCh38, 1-based): chr22:50,226,111, A>G on the plus strand (T>C on the coding strand, the complement: TUBGCP6 is on the minus strand). VCF-style: chr22-50226111-A-G. GRCh37 (hg19) VCF-style: chr22-50664540-A-G.
Other names: c.1772T>C (NM_020461.3); short protein forms I591T.
Identifiers: ClinVar variation 2171187 (VCV002171187.4), dbSNP rs148007010, ClinGen allele CA10308521.